The following is an entry in ClinVar:

ClinVar aggregate classification (germline): Uncertain significance. Review status: criteria provided, multiple submitters, no conflicts (2 of 4 stars). 2 submissions from 2 submitters: Uncertain significance (2). Last evaluated 2025-09-20.

Conditions:
Inborn genetic diseases. Identifiers: MedGen C0950123, MeSH D030342.
Norman-Roberts syndrome (LIS2). Also called: Lissencephaly 2 (Norman-Roberts type). Identifiers: Orphanet 89844, MedGen C0796089, MONDO:0009760, OMIM 257320.
Familial temporal lobe epilepsy 7. Identifiers: Orphanet 101046, MedGen C4225327, MONDO:0014639, OMIM 616436.

Allele frequency attached by ClinVar (database versions not stated): TOPMed 0.00001.
gnomAD v4.1: 7 of 1,613,692 alleles (0.00043%); highest among the groups gnomAD compares: East Asian, 0.0045%; no homozygotes.

Submissions (2):

Labcorp Genetics (formerly Invitae), Labcorp
Classification: Uncertain significance for Familial temporal lobe epilepsy 7; Norman-Roberts syndrome. Last evaluated: 2025-09-20. Review status: criteria provided, single submitter. Criteria: Invitae Variant Classification Sherloc (09022015). Collection method: clinical testing. Allele origin: germline.
Comment: This sequence change replaces threonine, which is neutral and polar, with alanine, which is neutral and non-polar, at codon 66 of the RELN protein (p.Thr66Ala). This variant is not present in population databases (gnomAD no frequency). This variant has not been reported in the literature in individuals affected with RELN-related conditions. ClinVar contains an entry for this variant (Variation ID: 1446467). Invitae Evidence Modeling of protein sequence and biophysical properties (such as structural, functional, and spatial information, amino acid conservation, physicochemical variation, residue mobility, and thermodynamic stability) indicates that this missense variant is not expected to disrupt RELN protein function with a negative predictive value of 80%. In summary, the available evidence is currently insufficient to determine the role of this variant in disease. Therefore, it has been classified as a Variant of Uncertain Significance.

Ambry Genetics
Classification: Uncertain significance for Inborn genetic diseases. Last evaluated: 2025-05-18. Review status: criteria provided, single submitter. Criteria: Ambry Variant Classification Scheme 2023. Collection method: clinical testing. Allele origin: germline.

NM_005045.4(RELN):c.196A>G (p.Thr66Ala)

Gene: RELN (reelin; minus strand). Cytogenetic location: 7q22.1.
Variant type: single nucleotide variant.
Coding change: c.196A>G on transcript NM_005045.4 (MANE Select); coding-DNA position 196, A replaced by G.
Protein change: p.Thr66Ala; replaces threonine 66 with alanine.
Molecular consequence: missense variant.
Genome position (GRCh38, 1-based): chr7:103,989,161, T>C on the plus strand (A>G on the coding strand, the complement: RELN is on the minus strand). VCF-style: chr7-103989161-T-C. GRCh37 (hg19) VCF-style: chr7-103629608-T-C.
Other names: c.196A>G, p.Thr66Ala (NM_173054.3); c.196A>G (NM_005045.3); short protein forms T66A.
Identifiers: ClinVar variation 1446467 (VCV001446467.7), dbSNP rs751673305, ClinGen allele CA164084380.